The following is an entry in ClinVar:

ClinVar aggregate classification (germline): Uncertain significance. Review status: criteria provided, single submitter (1 of 4 stars). 2 submissions from 2 submitters: Uncertain significance (1). 1 of the submissions does not count toward it. Last evaluated 2024-06-20.

Conditions:
X-linked Alport syndrome (ATS1). Also called: NEPHROPATHY AND DEAFNESS, X-LINKED; COL4A5-Related Nephropathy. Identifiers: Orphanet 63, Orphanet 88917, MedGen C4746986, MONDO:0010520, OMIM 301050.

Submissions (2):

3billion
Classification: Uncertain significance for X-linked Alport syndrome. Last evaluated: 2024-06-20. Review status: criteria provided, single submitter. Criteria: ACMG Guidelines, 2015. Collection method: clinical testing. Allele origin: germline. Affected: yes.
Comment: The variant is not observed in the gnomAD v4.0.0 dataset. Predicted Consequence/Location: Missense variant In silico tool predictions suggest damaging effect of the variant on gene or gene product [REVEL: 0.98 (>=0.6, sensitivity 0.68 and specificity 0.92)]. The same nucleotide change resulting in the same amino acid change has been previously reported to be associated with COL4A5-related disorder (ClinVar ID: VCV000829923 /PMID: 37100867).A different missense change at the same codon (p.Gly1051Val) has been reported to be associated with COL4A5-related disorder (ClinVar ID: VCV001179037). Therefore, this variant is classified as VUS according to the recommendation of ACMG/AMP guideline.

Bioscientia Institut fuer Medizinische Diagnostik GmbH, Sonic Healthcare
Classification: Likely pathogenic for X-linked Alport syndrome. Last evaluated: 2019-11-21. Review status: no assertion criteria provided. Collection method: clinical testing. Allele origin: germline. Affected: yes. Not counted in ClinVar's aggregate classification.

Literature cited by the submitters: PubMed 37100867 (cited by 3billion).

NM_033380.3(COL4A5):c.3152G>A (p.Gly1051Glu)

Gene: COL4A5 (collagen type IV alpha 5 chain; plus strand). Cytogenetic location: Xq22.3.
Variant type: single nucleotide variant.
Coding change: c.3152G>A on transcript NM_033380.3 (MANE Select); coding-DNA position 3152, G replaced by A.
Protein change: p.Gly1051Glu; replaces glycine 1051 with glutamic acid.
Molecular consequence: missense variant.
Genome position (GRCh38, 1-based): chrX:108,626,255, G>A. VCF-style: chrX-108626255-G-A. GRCh37 (hg19) VCF-style: chrX-107869485-G-A.
Other names: c.3152G>A, p.Gly1051Glu (NM_000495.5); short protein forms G1051E.
Identifiers: ClinVar variation 829923 (VCV000829923.3), dbSNP rs1603298993, ClinGen allele CA413854933.